The following is an entry in ClinVar:

NM_001032283.3(TMPO):c.565+1439A>C

Gene: TMPO (thymopoietin; plus strand). Cytogenetic location: 12q23.1.
Variant type: single nucleotide variant.
Coding change: c.565+1439A>C on transcript NM_001032283.3 (MANE Select); 1439 bases into the intron after coding-DNA position 565, A replaced by C.
Molecular consequence: intron variant. On other transcripts: missense variant (1).
Genome position (GRCh38, 1-based): chr12:98,533,277, A>C. VCF-style: chr12-98533277-A-C. GRCh37 (hg19) VCF-style: chr12-98927055-A-C.
Other names: c.1020A>C, p.Leu340Phe (NM_003276.2); c.565+1439A>C (NM_001307975.2, NM_001032284.3); short protein forms L340F.
Identifiers: ClinVar variation 1480305 (VCV001480305.6), dbSNP rs1877327751, ClinGen allele CA386152303.
Genomic context (GRCh38, chr12:98,533,277, plus strand): 5'-TTACTATAAAGACATAGTAGAAAATATTTGCGGTAGAGAGAAAAGTGGAATTCAACCATT[A>C]TGTCCTGAGAGGTCCCATATTTCAGATCAATCGCCTCTCTCCAGTAAAAGGAAAGCACTA-3'

ClinVar aggregate classification (germline): Uncertain significance (1 of 4 stars; one submission).

Conditions:
Loeys-Dietz syndrome 2 (LDS2). Also called: TGFBR2-Related Loeys-Dietz Syndrome; Marfan Syndrome type 2; Marfan like connective tissue disorder; MFS 2; Marfan syndrome, type 2 (formerly); AORTIC ANEURYSM, FAMILIAL THORACIC 3. Identifiers: Orphanet 284973, Orphanet 558, MedGen C2674574, MONDO:0012427, OMIM 610168.

Submission:

Labcorp Genetics (formerly Invitae), Labcorp
Classification: Uncertain significance for Loeys-Dietz syndrome 2. Last evaluated: 2021-09-15. Review status: criteria provided, single submitter. Criteria: Invitae Variant Classification Sherloc (09022015). Collection method: clinical testing. Allele origin: germline.
Comment: This variant is not present in population databases (ExAC no frequency). This variant has not been reported in the literature in individuals affected with TMPO-related conditions. Algorithms developed to predict the effect of missense changes on protein structure and function output the following: SIFT: "Tolerated"; PolyPhen-2: "Benign"; Align-GVGD: "Class C0". The phenylalanine amino acid residue is found in multiple mammalian species, which suggests that this missense change does not adversely affect protein function. In summary, the available evidence is currently insufficient to determine the role of this variant in disease. Therefore, it has been classified as a Variant of Uncertain Significance. This sequence change replaces leucine with phenylalanine at codon 340 of the TMPO protein (p.Leu340Phe). The leucine residue is moderately conserved and there is a small physicochemical difference between leucine and phenylalanine.